The following is an entry in ClinVar:

NM_001330588.2(TPP2):c.1853T>C (p.Ile618Thr)

Gene: TPP2 (tripeptidyl peptidase 2; plus strand). Cytogenetic location: 13q33.1.
Variant type: single nucleotide variant.
Coding change: c.1853T>C on transcript NM_001330588.2 (MANE Select); coding-DNA position 1853, T replaced by C.
Protein change: p.Ile618Thr; replaces isoleucine 618 with threonine.
Molecular consequence: missense variant. On other transcripts: non-coding transcript variant (1).
Genome position (GRCh38, 1-based): chr13:102,638,255, T>C. VCF-style: chr13-102638255-T-C. GRCh37 (hg19) VCF-style: chr13-103290605-T-C.
Other names: c.1853T>C, p.Ile618Thr (NM_001367947.1, NM_003291.4); short protein forms I618T.
Identifiers: ClinVar variation 1430654 (VCV001430654.5), dbSNP rs560121049, ClinGen allele CA7037850.

ClinVar aggregate classification (germline): Uncertain significance (1 of 4 stars; one submission).

Conditions:
Evans syndrome, immunodeficiency, and premature immunosenescence associated with tripeptidyl-peptidase II deficiency. Identifiers: MedGen CN231723. Disease mechanism: loss of function.

Allele frequency attached by ClinVar (database versions not stated): gnomAD exomes below 0.00001 and 0.00001; ExAC 0.00001; gnomAD 0.00002 and 0.00003; TOPMed 0.00003; 1000 Genomes Project 30x 0.00016; 1000 Genomes Project 0.00020.
gnomAD v4.1: 21 of 1,612,642 alleles (0.0013%); highest among the groups gnomAD compares: African/African-American, 0.0027%; no homozygotes.

Submission:

Labcorp Genetics (formerly Invitae), Labcorp
Classification: Uncertain significance for Evans syndrome, immunodeficiency, and premature immunosenescence associated with tripeptidyl-peptidase II deficiency. Last evaluated: 2022-01-14. Review status: criteria provided, single submitter. Criteria: Invitae Variant Classification Sherloc (09022015). Collection method: clinical testing. Allele origin: germline.
Comment: This sequence change replaces isoleucine, which is neutral and non-polar, with threonine, which is neutral and polar, at codon 618 of the TPP2 protein (p.Ile618Thr). The frequency data for this variant in the population databases is considered unreliable, as metrics indicate poor data quality at this position in the gnomAD database. This variant has not been reported in the literature in individuals affected with TPP2-related conditions. Algorithms developed to predict the effect of missense changes on protein structure and function output the following: SIFT: "Tolerated"; PolyPhen-2: "Benign"; Align-GVGD: "Class C0". The threonine amino acid residue is found in multiple mammalian species, which suggests that this missense change does not adversely affect protein function. In summary, the available evidence is currently insufficient to determine the role of this variant in disease. Therefore, it has been classified as a Variant of Uncertain Significance.